The following is an entry in ClinVar:

NM_000048.4(ASL):c.437G>A (p.Arg146Gln)

Gene: ASL (argininosuccinate lyase; plus strand). Cytogenetic location: 7q11.21.
Variant type: single nucleotide variant.
Coding change: c.437G>A on transcript NM_000048.4 (MANE Select); coding-DNA position 437, G replaced by A.
Protein change: p.Arg146Gln; replaces arginine 146 with glutamine.
Molecular consequence: missense variant.
Genome position (GRCh38, 1-based): chr7:66,083,165, G>A. VCF-style: chr7-66083165-G-A. GRCh37 (hg19) VCF-style: chr7-65548152-G-A.
Other names: c.437G>A, p.Arg146Gln (NM_001024943.2, NM_001024944.2, NM_001024946.2); short protein forms R146Q.
Identifiers: ClinVar variation 203627 (VCV000203627.20), dbSNP rs796051931, ClinGen allele CA312346.
Genomic context (GRCh38, chr7:66,083,165, plus strand): 5'-GGCAGACCTGCTCCACGCTCTCGGGCCTCCTCTGGGAGCTCATTAGGACCATGGTGGATC[G>A]GGCAGAGGCGTGAGTCCTACAGGGACACCCAGGGGGCAGACAGAGGTGTGATGGAAGCCT-3'
Protein context (NP_000039.2, residues 136-156): LWELIRTMVD[Arg146Gln]AEAERDVLFP

ClinVar aggregate classification (germline): Conflicting classifications of pathogenicity. Review status: criteria provided, conflicting classifications (1 of 4 stars). 4 submissions from 4 submitters: Pathogenic (2); Likely pathogenic (1); Uncertain significance (1). Last evaluated 2025-03-27.

Conditions:
Argininosuccinate lyase deficiency. Also called: ARGININOSUCCINIC ACID LYASE DEFICIENCY; ASL DEFICIENCY; Argininosuccinic aciduria. Identifiers: Orphanet 23, MedGen C0268547, MONDO:0008815, OMIM 207900, HP:0025630.

Allele frequency attached by ClinVar (database versions not stated): gnomAD 0.00001; gnomAD exomes 0.00001; TOPMed 0.00001.

Submissions (4):

Labcorp Genetics (formerly Invitae), Labcorp
Classification: Pathogenic for Argininosuccinate lyase deficiency. Last evaluated: 2025-03-27. Review status: criteria provided, single submitter. Criteria: Invitae Variant Classification Sherloc (09022015). Collection method: clinical testing. Allele origin: germline.
Comment: This sequence change replaces arginine, which is basic and polar, with glutamine, which is neutral and polar, at codon 146 of the ASL protein (p.Arg146Gln). This variant is not present in population databases (gnomAD no frequency). This missense change has been observed in individual(s) with argininosuccinate lyase deficiency (PMID: 28251416). In at least one individual the data is consistent with being in trans (on the opposite chromosome) from a pathogenic variant. ClinVar contains an entry for this variant (Variation ID: 203627). Invitae Evidence Modeling of protein sequence and biophysical properties (such as structural, functional, and spatial information, amino acid conservation, physicochemical variation, residue mobility, and thermodynamic stability) indicates that this missense variant is expected to disrupt ASL protein function with a positive predictive value of 95%. This variant disrupts the p.Arg146 amino acid residue in ASL. Other variant(s) that disrupt this residue have been observed in individuals with ASL-related conditions (PMID: 24166829, 28251416), which suggests that this may be a clinically significant amino acid residue. For these reasons, this variant has been classified as Pathogenic.

Women's Health and Genetics/Laboratory Corporation of America, LabCorp
Classification: Pathogenic for Argininosuccinate lyase deficiency. Last evaluated: 2025-03-10. Review status: criteria provided, single submitter. Criteria: LabCorp Variant Classification Summary - May 2015. Collection method: clinical testing. Allele origin: germline.
Comment: Variant summary: ASL c.437G>A (p.Arg146Gln) results in a conservative amino acid change in the encoded protein sequence. Three of five in-silico tools predict a damaging effect of the variant on protein function. The variant was absent in 249972 control chromosomes (gnomAD). c.437G>A has been reported in the literature in individuals affected with Argininosuccinic Aciduria (Baruteau_2017, Zhang_2024). These data indicate that the variant is likely to be associated with disease. A different variant affecting the same codon has been classified as pathogenic by our lab (c.436C>T, p.Arg146Trp), supporting the critical relevance of codon 146 to ASL protein function. To our knowledge, no experimental evidence demonstrating an impact on protein function has been reported. The following publications have been ascertained in the context of this evaluation (PMID: 28251416, 38422816, 38044746, 38582244). ClinVar contains an entry for this variant (Variation ID: 203627). Based on the evidence outlined above, the variant was classified as pathogenic.

Natera, Inc.
Classification: Likely pathogenic for Argininosuccinate lyase deficiency. Last evaluated: 2024-08-22. Review status: criteria provided, single submitter. Criteria: Natera Variant Classification Schema (03/2026). Collection method: clinical testing. Allele origin: germline.
Comment: The c.437G>A variant in ASL is a missense variant predicted to cause substitution of arginine to glutamine at amino acid 146. This variant is rare in the general population with a frequency below the threshold expected for the associated phenotype(s). This variant has been observed in one or more individuals affected with the associated recessive disease, as either homozygous or compound heterozygous with a second variant (PMID: 28251416). A different variant at the same position has been determined to be Pathogenic or Likely Pathogenic. Computational prediction algorithms indicate this variant is likely to affect gene or protein function. Given the available evidence, this variant is classified as Likely Pathogenic.

Myriad Genetics, Inc.
Classification: Uncertain significance for Argininosuccinate lyase deficiency. Last evaluated: 2021-11-08. Review status: criteria provided, single submitter. Criteria: Myriad Women's Health Autosomal Recessive and X-Linked Classification Criteria (2021). Collection method: clinical testing. Allele origin: unknown.
Comment: NM_001024943.1(ASL):c.437G>A(R146Q) is a missense variant classified as a variant of uncertain significance in the context of argininosuccinic aciduria. R146Q has been observed in cases with relevant disease (PMID: 28251416). Functional assessments of this variant are not available in the literature. R146Q has not been observed in population frequency databases. In summary, there is insufficient evidence to classify NM_001024943.1(ASL):c.437G>A(R146Q) as pathogenic or benign. Please note: this variant was assessed in the context of healthy population screening.

Literature cited by the submitters: PubMed 28251416 (cited by 4 submitters); PubMed 24166829 (cited by Labcorp Genetics (formerly Invitae), Labcorp); PubMed 38422816 (cited by Women's Health and Genetics/Laboratory Corporation of America, LabCorp); PubMed 38044746 (cited by Women's Health and Genetics/Laboratory Corporation of America, LabCorp); PubMed 38582244 (cited by Women's Health and Genetics/Laboratory Corporation of America, LabCorp).